The following is an entry in ClinVar:

NM_023036.6(DNAI2):c.1236T>C (p.Asp412=)

Gene: DNAI2 (dynein axonemal intermediate chain 2; plus strand). Cytogenetic location: 17q25.1.
Variant type: single nucleotide variant.
Coding change: c.1236T>C on transcript NM_023036.6 (MANE Select); coding-DNA position 1236, T replaced by C.
Protein change: p.Asp412=; no amino-acid change (aspartic acid 412 retained).
Molecular consequence: synonymous variant. On other transcripts: non-coding transcript variant (1).
Genome position (GRCh38, 1-based): chr17:74,309,277, T>C. VCF-style: chr17-74309277-T-C. GRCh37 (hg19) VCF-style: chr17-72305416-T-C.
Other names: c.1236T>C, p.Asp412= (NM_001172810.3, NM_001353167.2).
Identifiers: ClinVar variation 2889836 (VCV002889836.4), dbSNP rs2053366218, ClinGen allele CA501733499.

ClinVar aggregate classification (germline): Conflicting classifications of pathogenicity. Review status: criteria provided, conflicting classifications (1 of 4 stars). 2 submissions from 2 submitters: Uncertain significance (1); Likely benign (1). Last evaluated 2025-09-26.

Conditions:
Primary ciliary dyskinesia. Also called: Ciliary dyskinesia. Identifiers: Orphanet 244, MedGen C0008780, MONDO:0016575, HP:0012265.

Submissions (2):

Labcorp Genetics (formerly Invitae), Labcorp
Classification: Likely benign for Primary ciliary dyskinesia. Last evaluated: 2025-09-26. Review status: criteria provided, single submitter. Criteria: Invitae Variant Classification Sherloc (09022015). Collection method: clinical testing. Allele origin: germline.

Greenwood Genetic Center Diagnostic Laboratories, Greenwood Genetic Center
Classification: Uncertain significance. Last evaluated: 2025-02-26. Review status: criteria provided, single submitter. Criteria: ACMG Guidelines, 2015. Collection method: clinical testing. Allele origin: germline.
Comment: PM2, BP4